The following is an entry in ClinVar:

ClinVar aggregate classification (germline): Uncertain significance. Review status: criteria provided, multiple submitters, no conflicts (2 of 4 stars). 9 submissions from 9 submitters: Uncertain significance (8). 1 of the submissions does not count toward it. Last evaluated 2025-11-21.

Conditions:
Mitochondrial complex 2 deficiency, nuclear type 3. Also called: MITOCHONDRIAL COMPLEX II DEFICIENCY, NUCLEAR TYPE 3. Identifiers: MedGen C5436934, MONDO:0030937, OMIM 619167.
Carney-Stratakis syndrome. Also called: PARAGANGLIOMA AND GASTROINTESTINAL STROMAL TUMOR. Identifiers: Orphanet 97286, MedGen C1847319, MONDO:0011740, OMIM 606864.
Pheochromocytoma. Also called: MAX-Related Hereditary Paraganglioma-Pheochromocytoma Syndrome. Identifiers: Orphanet 29072, MedGen C0031511, MONDO:0008233, OMIM 171300, HP:0002666.
Cowden syndrome 3 (CWS3). Identifiers: Orphanet 201, MedGen CN166604, MONDO:0014045.
Paragangliomas with sensorineural hearing loss. Identifiers: MedGen C1868633.
Hereditary cancer-predisposing syndrome. Also called: Tumor predisposition; Hereditary neoplastic syndrome; Neoplastic Syndromes, Hereditary; Hereditary Cancer Syndrome. Identifiers: Orphanet 140162, MedGen C0027672, MeSH D009386, MONDO:0015356.
Hereditary pheochromocytoma and paraganglioma. Also called: Hereditary Paraganglioma-Pheochromocytoma Syndromes; Hereditary paragangliomas and pheochromocytomas; Hereditary pheochromocytoma-paraganglioma. Identifiers: Orphanet 29072, MedGen C4274332, MONDO:0017366.

Allele frequency attached by ClinVar (database versions not stated): TOPMed below 0.00001; gnomAD exomes 0.00001; ExAC 0.00002.
gnomAD v4.1: 10 of 1,611,890 alleles (0.00062%); highest among the groups gnomAD compares: Middle Eastern, 0.023%; no homozygotes.

Submissions (9):

Labcorp Genetics (formerly Invitae), Labcorp
Classification: Uncertain significance for Carney-Stratakis syndrome; Paragangliomas with sensorineural hearing loss; Pheochromocytoma; Cowden syndrome 3. Last evaluated: 2025-11-21. Review status: criteria provided, single submitter. Criteria: Invitae Variant Classification Sherloc (09022015). Collection method: clinical testing. Allele origin: germline.
Comment: This sequence change replaces leucine, which is neutral and non-polar, with valine, which is neutral and non-polar, at codon 134 of the SDHD protein (p.Leu134Val). This variant is present in population databases (rs200851392, gnomAD 0.003%). This variant has not been reported in the literature in individuals affected with SDHD-related conditions. ClinVar contains an entry for this variant (Variation ID: 41777). Invitae Evidence Modeling of protein sequence and biophysical properties (such as structural, functional, and spatial information, amino acid conservation, physicochemical variation, residue mobility, and thermodynamic stability) indicates that this missense variant is not expected to disrupt SDHD protein function with a negative predictive value of 95%. In summary, the available evidence is currently insufficient to determine the role of this variant in disease. Therefore, it has been classified as a Variant of Uncertain Significance.

Color Diagnostics, LLC DBA Color Health
Classification: Uncertain significance for Hereditary pheochromocytoma and paraganglioma. Last evaluated: 2025-06-13. Review status: criteria provided, single submitter. Criteria: ACMG Guidelines, 2015. Collection method: clinical testing. Allele origin: germline.
Comment: This missense variant replaces leucine with valine at codon 134 of the SDHD protein. Computational prediction suggests that this variant may not impact protein structure and function. To our knowledge, functional studies have not been reported for this variant. This variant has not been reported in individuals affected with SDHD-related disorders in the literature. This variant has been identified in 3/249882 chromosomes in the general population by the Genome Aggregation Database (gnomAD). The available evidence is insufficient to determine the role of this variant in disease conclusively. Therefore, this variant is classified as a Variant of Uncertain Significance.

Quest Diagnostics Nichols Institute San Juan Capistrano
Classification: Uncertain significance. Last evaluated: 2024-10-11. Review status: criteria provided, single submitter. Criteria: Quest Diagnostics criteria. Collection method: clinical testing. Allele origin: unknown.
Comment: The SDHD c.400T>G (p.Leu134Val) variant has not been reported in individuals with SDHD-related conditions in the published literature. The frequency of this variant in the general population, 0.000027 (3/112684 chromosomes (Genome Aggregation Database)), is uninformative in the assessment of its pathogenicity. Analysis of this variant using bioinformatics tools for the prediction of the effect of amino acid changes on protein structure and function yielded predictions that this variant is benign. Based on the available information, we are unable to determine the clinical significance of this variant.

GeneDx
Classification: Uncertain significance. Last evaluated: 2024-06-24. Review status: criteria provided, single submitter. Criteria: GeneDx Variant Classification Process June 2021. Collection method: clinical testing. Allele origin: germline. Affected: yes.
Comment: Not observed at significant frequency in large population cohorts (gnomAD); In silico analysis indicates that this missense variant does not alter protein structure/function; Has not been previously published as pathogenic or benign to our knowledge; This variant is associated with the following publications: (PMID: 38473309, 22703879)

Ambry Genetics
Classification: Uncertain significance for Hereditary cancer-predisposing syndrome. Last evaluated: 2024-06-12. Review status: criteria provided, single submitter. Criteria: Ambry Variant Classification Scheme 2023. Collection method: clinical testing. Allele origin: germline.
Comment: The p.L134V variant (also known as c.400T>G), located in coding exon 4 of the SDHD gene, results from a T to G substitution at nucleotide position 400. The leucine at codon 134 is replaced by valine, an amino acid with highly similar properties. This amino acid position is not well conserved in available vertebrate species. In addition, the in silico prediction for this alteration is inconclusive. Based on the available evidence, the clinical significance of this variant remains unclear.

Baylor Genetics
Classification: Uncertain significance for Mitochondrial complex 2 deficiency, nuclear type 3. Last evaluated: 2024-03-01. Review status: criteria provided, single submitter. Criteria: ACMG Guidelines, 2015. Collection method: clinical testing. Allele origin: unknown.

Blueprint Genetics
Classification: Uncertain significance. Last evaluated: 2024-02-21. Review status: criteria provided, single submitter. Criteria: ACMG Guidelines, 2015. Collection method: clinical testing. Allele origin: germline.

All of Us Research Program, National Institutes of Health
Classification: Uncertain significance for Hereditary pheochromocytoma and paraganglioma. Last evaluated: 2023-02-24. Review status: criteria provided, single submitter. Criteria: ACMG Guidelines, 2015. Collection method: clinical testing. Allele origin: germline. Inheritance: Autosomal dominant inheritance. Observed: 1 variant allele, 1 heterozygote.
Comment: This missense variant replaces leucine with valine at codon 134 of the SDHD protein. Computational prediction suggests that this variant may not impact protein structure and function (internally defined REVEL score threshold <= 0.5, PMID: 27666373). To our knowledge, functional studies have not been reported for this variant. This variant has not been reported in individuals affected with SDHD-related disorders in the literature. This variant has been identified in 3/249882 chromosomes in the general population by the Genome Aggregation Database (gnomAD). The available evidence is insufficient to determine the role of this variant in disease conclusively. Therefore, this variant is classified as a Variant of Uncertain Significance.

This study involves interpretation of variants in research participants for the purpose of population health screening. Participant phenotype was not available at the time of variant classification. Additional details can be found in publication PMID: 35346344, PMCID: PMC8962531

Biesecker Lab/Clinical Genomics Section, National Institutes of Health
Classification: Uncertain significance. Last evaluated: 2012-07-13. Review status: no assertion criteria provided. Collection method: research. Allele origin: germline. Affected: no. Observed: 1 variant allele. Study: ClinSeq. Not counted in ClinVar's aggregate classification.
ClinVar note: Converted during submission from variant of unknown significance to Uncertain significance.

NM_003002.4(SDHD):c.400T>G (p.Leu134Val)

Gene: SDHD (succinate dehydrogenase complex subunit D; plus strand). Cytogenetic location: 11q23.1.
Variant type: single nucleotide variant.
Coding change: c.400T>G on transcript NM_003002.4 (MANE Select); coding-DNA position 400, T replaced by G.
Protein change: p.Leu134Val; replaces leucine 134 with valine.
Molecular consequence: missense variant. On other transcripts: synonymous variant (1), 3 prime UTR variant (1), non-coding transcript variant (1).
Genome position (GRCh38, 1-based): chr11:112,094,890, T>G. VCF-style: chr11-112094890-T-G. GRCh37 (hg19) VCF-style: chr11-111965614-T-G.
Other names: c.255T>G, p.Leu85= (NM_001276503.2); c.283T>G, p.Leu95Val (NM_001276504.2); c.*98T>G (NM_001276506.2); short protein forms L134V, L95V.
Identifiers: ClinVar variation 41777 (VCV000041777.26), dbSNP rs200851392, ClinGen allele CA016714.